The following is an entry in ClinVar:

NM_000094.4(COL7A1):c.7354G>A (p.Gly2452Arg)

Gene: COL7A1 (collagen type VII alpha 1 chain; minus strand). Cytogenetic location: 3p21.31.
Variant type: single nucleotide variant.
Coding change: c.7354G>A on transcript NM_000094.4 (MANE Select); coding-DNA position 7354, G replaced by A.
Protein change: p.Gly2452Arg; replaces glycine 2452 with arginine.
Molecular consequence: missense variant.
Genome position (GRCh38, 1-based): chr3:48,570,491, C>T on the plus strand (G>A on the coding strand, the complement: COL7A1 is on the minus strand). VCF-style: chr3-48570491-C-T. GRCh37 (hg19) VCF-style: chr3-48607924-C-T.
Other names: short protein forms G2452R.
Identifiers: ClinVar variation 4687399 (VCV004687399.1).

ClinVar aggregate classification (germline): Likely pathogenic (1 of 4 stars; one submission).

Conditions:
Recessive dystrophic epidermolysis bullosa (RDEB). Also called: DYSTROPHIC EPIDERMOLYSIS BULLOSA, AUTOSOMAL RECESSIVE; EPIDERMOLYSIS BULLOSA DYSTROPHICA, HALLOPEAU-SIEMENS TYPE; Hallopeau-Siemens Disease; severe generalized recessive dystrophic epidermolysis bullosa; EPIDERMOLYSIS BULLOSA DYSTROPHICA, GENERALIZED SEVERE, AUTOSOMAL RECESSIVE; Epidermolysis Bullosa Distrophica Autosomal Recessive (RDEB). Identifiers: Orphanet 79408, Orphanet 79409, MedGen C0079474, MONDO:0009179, OMIM 226600.

Submission:

Women's Health and Genetics/Laboratory Corporation of America, LabCorp
Classification: Likely pathogenic for Recessive dystrophic epidermolysis bullosa. Last evaluated: 2025-10-30. Review status: criteria provided, single submitter. Criteria: LabCorp Variant Classification Summary - May 2015. Collection method: clinical testing. Allele origin: germline.
Comment: Variant summary: COL7A1 c.7354G>A (p.Gly2452Arg) results in a non-conservative amino acid change in the encoded protein sequence. This variant disrupts the triple helix domain of COL7A1. Glycine residues within the Gly-Xaa-Yaa repeats of the triple helix domain are required for the structure and stability of fibrillar collagens (PMID: 7695699, 8218237, 19344236), and variants at these glycine residues in COL7A1 are more frequently observed in individuals with disease than in the general population (PMID: 22058051). Algorithms developed to predict the effect of missense changes on protein structure and function all suggest that this variant is likely to be disruptive. The variant was absent in 251440 control chromosomes. c.7354G>A has been observed in individual(s) affected with Dystrophic Epidermolysis Bullosa, Recessive (example: Youssefian_2021). To our knowledge, no experimental evidence demonstrating an impact on protein function has been reported. The following publication has been ascertained in the context of this evaluation (PMID: 33969388). No submitters have cited clinical-significance assessments for this variant to ClinVar. Based on the evidence outlined above, the variant was classified as likely pathogenic.

Literature cited by the submitters: PubMed 33969388.